The following is an entry in ClinVar:

ClinVar aggregate classification (germline): Likely benign (0 of 4 stars; one submission).

gnomAD v4.1: 1 of 999,956 alleles (0.0001%); highest among the groups gnomAD compares: Non-Finnish European, 0.00015%; no homozygotes.

Submission:

Leiden Open Variation Database
Classification: Likely benign. Last evaluated: 2012-08-31. Review status: no assertion criteria provided. Collection method: curation. Allele origin: germline. Affected: yes.
Comment: Curator: Arleen D. Auerbach. Submitter to LOVD: Janine Bakker.

Literature cited by the submitters: PubMed 22911665.

NM_032444.4(SLX4):c.2013+130C>G

Gene: SLX4 (SLX4 structure-specific endonuclease subunit; minus strand). Cytogenetic location: 16p13.3.
Variant type: single nucleotide variant.
Coding change: c.2013+130C>G on transcript NM_032444.4 (MANE Select); 130 bases into the intron after coding-DNA position 2013, C replaced by G.
Molecular consequence: intron variant.
Genome position (GRCh38, 1-based): chr16:3,595,475, G>C on the plus strand (C>G on the coding strand, the complement: SLX4 is on the minus strand). VCF-style: chr16-3595475-G-C. GRCh37 (hg19) VCF-style: chr16-3645476-G-C.
Identifiers: ClinVar variation 929585 (VCV000929585.1), dbSNP rs2040640910, ClinGen allele CA1139664452.